The following is an entry in ClinVar:

NM_031475.3(ESPN):c.1186C>T (p.Pro396Ser)

Gene: ESPN (espin; plus strand). Cytogenetic location: 1p36.31.
Variant type: single nucleotide variant.
Coding change: c.1186C>T on transcript NM_031475.3 (MANE Select); coding-DNA position 1186, C replaced by T.
Protein change: p.Pro396Ser; replaces proline 396 with serine.
Molecular consequence: missense variant.
Genome position (GRCh38, 1-based): chr1:6,444,676, C>T. VCF-style: chr1-6444676-C-T. GRCh37 (hg19) VCF-style: chr1-6504736-C-T.
Other names: p.Pro396Ser; c.1186C>T, p.Pro396Ser (NM_001367473.1, NM_001367474.1); c.1186C>T (NM_031475.2); short protein forms P396S.
Identifiers: ClinVar variation 1400704 (VCV001400704.15), dbSNP rs201286955, ClinGen allele CA560133.

ClinVar aggregate classification (germline): Uncertain significance. Review status: criteria provided, multiple submitters, no conflicts (2 of 4 stars). 4 submissions from 4 submitters: Uncertain significance (4). Last evaluated 2025-04-01.

Conditions:
Inborn genetic diseases. Identifiers: MedGen C0950123, MeSH D030342.

Allele frequency attached by ClinVar (database versions not stated): gnomAD exomes 0.00006 and 0.00014; ExAC 0.00007; gnomAD 0.00011; TOPMed 0.00013; ESP Exome Variant Server 0.00023.

Submissions (4):

CeGaT Center for Human Genetics Tuebingen
Classification: Uncertain significance. Last evaluated: 2025-04-01. Review status: criteria provided, single submitter. Criteria: CeGaT Center For Human Genetics Tuebingen Variant Classification Criteria Version 2. Collection method: clinical testing. Allele origin: germline. Affected: yes. Observed: 1 variant allele.
Comment: ESPN: PM2, BP4

Labcorp Genetics (formerly Invitae), Labcorp
Classification: Uncertain significance. Last evaluated: 2024-10-29. Review status: criteria provided, single submitter. Criteria: Invitae Variant Classification Sherloc (09022015). Collection method: clinical testing. Allele origin: germline.
Comment: This sequence change replaces proline, which is neutral and non-polar, with serine, which is neutral and polar, at codon 396 of the ESPN protein (p.Pro396Ser). This variant is present in population databases (rs201286955, gnomAD 0.02%). This variant has not been reported in the literature in individuals affected with ESPN-related conditions. ClinVar contains an entry for this variant (Variation ID: 1400704). An algorithm developed to predict the effect of missense changes on protein structure and function outputs the following: PolyPhen-2: "Benign". The serine amino acid residue is found in multiple mammalian species, which suggests that this missense change does not adversely affect protein function. In summary, the available evidence is currently insufficient to determine the role of this variant in disease. Therefore, it has been classified as a Variant of Uncertain Significance.

Mayo Clinic Laboratories, Mayo Clinic
Classification: Uncertain significance. Last evaluated: 2024-07-25. Review status: criteria provided, single submitter. Criteria: ACMG Guidelines, 2015. Collection method: clinical testing. Allele origin: germline. Observed: 1 variant allele.
Comment: PM2

Ambry Genetics
Classification: Uncertain significance for Inborn genetic diseases. Last evaluated: 2022-05-31. Review status: criteria provided, single submitter. Criteria: Ambry Variant Classification Scheme 2023. Collection method: clinical testing. Allele origin: germline.